The following is an entry in ClinVar:

ClinVar aggregate classification (germline): Uncertain significance (1 of 4 stars; one submission).

Conditions:
X-linked myopathy with postural muscle atrophy. Also called: FHL1-Related Emery-Dreifuss Muscular Dystrophy, X-Linked. Identifiers: Orphanet 178461, MedGen C2678055, MONDO:0010401, OMIM 300696.

Submission:

Labcorp Genetics (formerly Invitae), Labcorp
Classification: Uncertain significance for X-linked myopathy with postural muscle atrophy. Last evaluated: 2020-08-23. Review status: criteria provided, single submitter. Criteria: Invitae Variant Classification Sherloc (09022015). Collection method: clinical testing. Allele origin: germline.
Comment: This sequence change replaces asparagine with histidine at codon 85 of the FHL1 protein (p.Asn85His). The asparagine residue is moderately conserved and there is a small physicochemical difference between asparagine and histidine. This variant is not present in population databases (ExAC no frequency). This variant has not been reported in the literature in individuals with FHL1-related conditions. Algorithms developed to predict the effect of missense changes on protein structure and function are either unavailable or do not agree on the potential impact of this missense change (SIFT: "Deleterious"; PolyPhen-2: "Possibly Damaging"; Align-GVGD: "Class C0"). In summary, the available evidence is currently insufficient to determine the role of this variant in disease. Therefore, it has been classified as a Variant of Uncertain Significance.

NM_001159699.2(FHL1):c.301A>C (p.Asn101His)

Gene: FHL1 (four and a half LIM domains 1; plus strand). Cytogenetic location: Xq26.3.
Variant type: single nucleotide variant.
Coding change: c.301A>C on transcript NM_001159699.2 (MANE Select); coding-DNA position 301, A replaced by C.
Protein change: p.Asn101His; replaces asparagine 101 with histidine.
Molecular consequence: missense variant. On other transcripts: non-coding transcript variant (1).
Genome position (GRCh38, 1-based): chrX:136,207,112, A>C. VCF-style: chrX-136207112-A-C. GRCh37 (hg19) VCF-style: chrX-135289271-A-C.
Other names: c.253A>C, p.Asn85His (NM_001159700.2, NM_001159702.3, NM_001159703.2 and 9 more transcripts); c.340A>C, p.Asn114His (NM_001159701.2); c.301A>C, p.Asn101His (NM_001330659.2); short protein forms N101H, N114H, N85H.
Identifiers: ClinVar variation 1022923 (VCV001022923.8), dbSNP rs2073862975, ClinGen allele CA414608099.